The following is an entry in ClinVar:

ClinVar aggregate classification (germline): Benign/Likely benign. Review status: criteria provided, multiple submitters, no conflicts (2 of 4 stars). 5 submissions from 5 submitters: Benign (1); Likely benign (4). Last evaluated 2026-09-01.

Allele frequency attached by ClinVar (database versions not stated): 1000 Genomes Project 0.00140; 1000 Genomes Project 30x 0.00156; gnomAD 0.00217; TOPMed 0.00348; ESP Exome Variant Server 0.00369.
gnomAD v4.1: 7,452 of 1,614,004 alleles (0.46%); highest among the groups gnomAD compares: South Asian, 0.59%; 22 homozygotes.

Submissions (5):

CeGaT Center for Human Genetics Tuebingen
Classification: Likely benign. Last evaluated: 2026-09-01. Review status: criteria provided, single submitter. Criteria: CeGaT Center For Human Genetics Tuebingen Variant Classification Criteria Version 2. Collection method: clinical testing. Allele origin: germline. Affected: yes. Observed: 7 variant alleles.
Comment: FAT1: BP4, BP7, BS2

Labcorp Genetics (formerly Invitae), Labcorp
Classification: Benign. Last evaluated: 2026-02-01. Review status: criteria provided, single submitter. Criteria: Invitae Variant Classification Sherloc (09022015). Collection method: clinical testing. Allele origin: germline.

Blueprint Genetics
Classification: Likely benign. Last evaluated: 2024-11-25. Review status: criteria provided, single submitter. Criteria: ACMG Guidelines, 2015. Collection method: clinical testing. Allele origin: germline.

GeneDx
Classification: Likely benign. Last evaluated: 2020-11-16. Review status: criteria provided, single submitter. Criteria: GeneDx Variant Classification Process June 2021. Collection method: clinical testing. Allele origin: germline. Affected: yes.

Breakthrough Genomics
Classification: Likely benign. Review status: criteria provided, single submitter. Criteria: ACMG Guidelines, 2015. Collection method: not provided. Allele origin: germline. Inheritance: Unknown mechanism. Affected: yes.

NM_005245.4(FAT1):c.12522G>A (p.Pro4174=)

Gene: FAT1 (FAT atypical cadherin 1; minus strand). Cytogenetic location: 4q35.2.
Variant type: single nucleotide variant.
Coding change: c.12522G>A on transcript NM_005245.4 (MANE Select); coding-DNA position 12522, G replaced by A.
Protein change: p.Pro4174=; no amino-acid change (proline 4174 retained).
Molecular consequence: synonymous variant.
Genome position (GRCh38, 1-based): chr4:186,597,018, C>T on the plus strand (G>A on the coding strand, the complement: FAT1 is on the minus strand). VCF-style: chr4-186597018-C-T. GRCh37 (hg19) VCF-style: chr4-187518172-C-T.
Identifiers: ClinVar variation 773161 (VCV000773161.35), dbSNP rs72716245, ClinGen allele CA3164791.